The following is an entry in ClinVar:

NM_005559.4(LAMA1):c.7618G>A (p.Ala2540Thr)

Gene: LAMA1 (laminin subunit alpha 1; minus strand). Cytogenetic location: 18p11.31.
Variant type: single nucleotide variant.
Coding change: c.7618G>A on transcript NM_005559.4 (MANE Select); coding-DNA position 7618, G replaced by A.
Protein change: p.Ala2540Thr; replaces alanine 2540 with threonine.
Molecular consequence: missense variant.
Genome position (GRCh38, 1-based): chr18:6,961,594, C>T on the plus strand (G>A on the coding strand, the complement: LAMA1 is on the minus strand). VCF-style: chr18-6961594-C-T. GRCh37 (hg19) VCF-style: chr18-6961593-C-T.
Other names: short protein forms A2540T.
Identifiers: ClinVar variation 1719812 (VCV001719812.5), dbSNP rs1438338760, ClinGen allele CA401845680.

ClinVar aggregate classification (germline): Uncertain significance (1 of 4 stars; one submission).

Allele frequency attached by ClinVar (database versions not stated): gnomAD 0.00001; gnomAD exomes below 0.00001.
gnomAD v4.1: 2 of 1,613,474 alleles (0.00012%); highest among the groups gnomAD compares: Non-Finnish European, 0.00017%; no homozygotes.

Submission:

Labcorp Genetics (formerly Invitae), Labcorp
Classification: Uncertain significance. Last evaluated: 2025-06-16. Review status: criteria provided, single submitter. Criteria: Invitae Variant Classification Sherloc (09022015). Collection method: clinical testing. Allele origin: germline.
Comment: This sequence change replaces alanine, which is neutral and non-polar, with threonine, which is neutral and polar, at codon 2540 of the LAMA1 protein (p.Ala2540Thr). This variant is not present in population databases (gnomAD no frequency). This variant has not been reported in the literature in individuals affected with LAMA1-related conditions. ClinVar contains an entry for this variant (Variation ID: 1719812). Invitae Evidence Modeling of protein sequence and biophysical properties (such as structural, functional, and spatial information, amino acid conservation, physicochemical variation, residue mobility, and thermodynamic stability) indicates that this missense variant is not expected to disrupt LAMA1 protein function with a negative predictive value of 80%. In summary, the available evidence is currently insufficient to determine the role of this variant in disease. Therefore, it has been classified as a Variant of Uncertain Significance.